The following is an entry in ClinVar:

ClinVar aggregate classification (germline): Uncertain significance. Review status: criteria provided, multiple submitters, no conflicts (2 of 4 stars). 2 submissions from 2 submitters: Uncertain significance (2). Last evaluated 2025-12-22.

Conditions:
Hereditary cancer-predisposing syndrome. Also called: Hereditary Cancer Syndrome; Tumor predisposition; Neoplastic Syndromes, Hereditary; Hereditary neoplastic syndrome. Identifiers: Orphanet 140162, MedGen C0027672, MeSH D009386, MONDO:0015356.
Haddad syndrome (OHD). Also called: Ondine-Hirschsprung disease. Identifiers: Orphanet 99803, MedGen C1859049, MONDO:0020493.

gnomAD v4.1: 18 of 1,604,336 alleles (0.0011%); highest among the groups gnomAD compares: Non-Finnish European, 0.0013%; no homozygotes.

Submissions (2):

Ambry Genetics
Classification: Uncertain significance for Hereditary cancer-predisposing syndrome. Last evaluated: 2025-12-22. Review status: criteria provided, single submitter. Criteria: Ambry Variant Classification Scheme 2023. Collection method: clinical testing. Allele origin: germline.
Comment: The p.P206L variant (also known as c.617C>T), located in coding exon 3 of the PHOX2B gene, results from a C to T substitution at nucleotide position 617. The proline at codon 206 is replaced by leucine, an amino acid with similar properties. This amino acid position is well conserved in available vertebrate species. In addition, this alteration is predicted to be tolerated by in silico analysis. Since supporting evidence is limited at this time, the clinical significance of this alteration remains unclear.

Labcorp Genetics (formerly Invitae), Labcorp
Classification: Uncertain significance for Haddad syndrome. Last evaluated: 2024-05-06. Review status: criteria provided, single submitter. Criteria: Invitae Variant Classification Sherloc (09022015). Collection method: clinical testing. Allele origin: germline.
Comment: This sequence change replaces proline, which is neutral and non-polar, with leucine, which is neutral and non-polar, at codon 206 of the PHOX2B protein (p.Pro206Leu). This variant is not present in population databases (gnomAD no frequency). This variant has not been reported in the literature in individuals affected with PHOX2B-related conditions. ClinVar contains an entry for this variant (Variation ID: 826224). Advanced modeling of protein sequence and biophysical properties (such as structural, functional, and spatial information, amino acid conservation, physicochemical variation, residue mobility, and thermodynamic stability) performed at Invitae indicates that this missense variant is not expected to disrupt PHOX2B protein function with a negative predictive value of 80%. In summary, the available evidence is currently insufficient to determine the role of this variant in disease. Therefore, it has been classified as a Variant of Uncertain Significance.

NM_003924.4(PHOX2B):c.617C>T (p.Pro206Leu)

Gene: PHOX2B (paired like homeobox 2B; minus strand). Cytogenetic location: 4p13.
Variant type: single nucleotide variant.
Coding change: c.617C>T on transcript NM_003924.4 (MANE Select); coding-DNA position 617, C replaced by T.
Protein change: p.Pro206Leu; replaces proline 206 with leucine.
Molecular consequence: missense variant.
Genome position (GRCh38, 1-based): chr4:41,746,135, G>A on the plus strand (C>T on the coding strand, the complement: PHOX2B is on the minus strand). VCF-style: chr4-41746135-G-A. GRCh37 (hg19) VCF-style: chr4-41748152-G-A.
Other names: short protein forms P206L.
Identifiers: ClinVar variation 826224 (VCV000826224.14), dbSNP rs587778606, ClinGen allele CA356737694.